The following is an entry in ClinVar:

NM_004415.4(DSP):c.337C>T (p.Gln113Ter)

Gene: DSP (desmoplakin; plus strand). Cytogenetic location: 6p24.3.
Variant type: single nucleotide variant.
Coding change: c.337C>T on transcript NM_004415.4 (MANE Select); coding-DNA position 337, C replaced by T.
Protein change: p.Gln113Ter; replaces glutamine 113 with a stop codon.
Molecular consequence: nonsense.
Genome position (GRCh38, 1-based): chr6:7,558,179, C>T. VCF-style: chr6-7558179-C-T. GRCh37 (hg19) VCF-style: chr6-7558412-C-T.
Other names: c.337C>T, p.Gln113Ter (NM_001008844.3, NM_001319034.2, NM_001406591.1); short protein forms Q113*.
Identifiers: ClinVar variation 4539996 (VCV004539996.2).
Genomic context (GRCh38, chr6:7,558,179, plus strand): 5'-TTGAAGTATGGAGATGGAATACAACTGACTCGGAGTCGAGAATTGGATGAGTGTTTTGCC[C>T]AGGCCAATGACCAAATGGAAATCCTCGACAGCTTGATCAGAGAGATGCGGCAGATGGGCC-3'

ClinVar aggregate classification (germline): Pathogenic. Review status: criteria provided, multiple submitters, no conflicts (2 of 4 stars). 2 submissions from 2 submitters: Pathogenic (2). Last evaluated 2025-09-01.

Conditions:
Arrhythmogenic cardiomyopathy with wooly hair and keratoderma. Also called: PALMOPLANTAR KERATODERMA WITH LEFT VENTRICULAR CARDIOMYOPATHY AND WOOLLY HAIR; Dilated cardiomyopathy with woolly hair and keratoderma; Arrhythmogenic cardiomyopathy with woolly hair and keratoderma; Carvajal syndrome. Identifiers: Orphanet 65282, MedGen C1854063, MONDO:0011581, OMIM 605676.
Arrhythmogenic right ventricular dysplasia 8 (ARVD8). Also called: Arrhythmogenic Right Ventricular Dysplasia/Cardiomyopathy 8; ARRHYTHMOGENIC RIGHT VENTRICULAR DYSPLASIA, FAMILIAL, 8; ARRHYTHMOGENIC RIGHT VENTRICULAR CARDIOMYOPATHY 8. Identifiers: MedGen C1843896, MONDO:0011831, OMIM 607450.

Submissions (2):

Labcorp Genetics (formerly Invitae), Labcorp
Classification: Pathogenic for Arrhythmogenic cardiomyopathy with wooly hair and keratoderma; Arrhythmogenic right ventricular dysplasia 8. Last evaluated: 2025-09-01. Review status: criteria provided, single submitter. Criteria: Invitae Variant Classification Sherloc (09022015). Collection method: clinical testing. Allele origin: germline.
Comment: This sequence change creates a premature translational stop signal (p.Gln113*) in the DSP gene. It is expected to result in an absent or disrupted protein product. Loss-of-function variants in DSP are known to be pathogenic (PMID: 20716751, 24503780, 25227139). This variant is not present in population databases (gnomAD no frequency). This premature translational stop signal has been observed in individual(s) with cardiomyopathy (PMID: 36396199). For these reasons, this variant has been classified as Pathogenic.

GeneDx
Classification: Pathogenic. Last evaluated: 2025-06-27. Review status: criteria provided, single submitter. Criteria: GeneDx Variant Classification Process June 2021. Collection method: clinical testing. Allele origin: germline. Affected: yes.
Comment: Nonsense variant predicted to result in protein truncation or nonsense mediated decay in a gene for which loss of function is a known mechanism of disease; Not observed at significant frequency in large population cohorts (gnomAD); Identified in three patients with cardiomyopathy in published literature (PMID: 36396199); This variant is associated with the following publications: (PMID: 36396199)

Literature cited by the submitters: PubMed 20716751 (cited by Labcorp Genetics (formerly Invitae), Labcorp); PubMed 24503780 (cited by Labcorp Genetics (formerly Invitae), Labcorp); PubMed 25227139 (cited by Labcorp Genetics (formerly Invitae), Labcorp); PubMed 36396199 (cited by Labcorp Genetics (formerly Invitae), Labcorp).